The following is an entry in ClinVar:

NM_003114.5(SPAG1):c.798A>C (p.Glu266Asp)

Gene: SPAG1 (sperm associated antigen 1; plus strand). Cytogenetic location: 8q22.2.
Variant type: single nucleotide variant.
Coding change: c.798A>C on transcript NM_003114.5 (MANE Select); coding-DNA position 798, A replaced by C.
Protein change: p.Glu266Asp; replaces glutamic acid 266 with aspartic acid.
Molecular consequence: missense variant.
Genome position (GRCh38, 1-based): chr8:100,187,216, A>C. VCF-style: chr8-100187216-A-C. GRCh37 (hg19) VCF-style: chr8-101199444-A-C.
Other names: c.798A>C, p.Glu266Asp (NM_001374321.1, NM_172218.3); short protein forms E266D.
Identifiers: ClinVar variation 942830 (VCV000942830.9), dbSNP rs139329487, ClinGen allele CA182365863.
Genomic context (GRCh38, chr8:100,187,216, plus strand): 5'-CAATCGAGCTCAAGCAGAAATCAAATTACAGAACTGGAATAGTGCTTTTCAGGATTGTGA[A>C]AAGGTCTTGGAGTTAGAACCTGGAAACGTAAAGGGTAAAAAATATTATAGAATTCTTTTA-3'
Protein context (NP_003105.2, residues 256-276): QNWNSAFQDC[Glu266Asp]KVLELEPGNV

ClinVar aggregate classification (germline): Uncertain significance. Review status: criteria provided, multiple submitters, no conflicts (2 of 4 stars). 2 submissions from 2 submitters: Uncertain significance (2). Last evaluated 2025-10-14.

Conditions:
Primary ciliary dyskinesia 28. Also called: CILIARY DYSKINESIA, PRIMARY, 28, WITH OR WITHOUT SITUS INVERSUS. Identifiers: Orphanet 244, MedGen C3809706, MONDO:0014216, OMIM 615505.
Primary ciliary dyskinesia. Also called: Ciliary dyskinesia. Identifiers: Orphanet 244, MedGen C0008780, MONDO:0016575, HP:0012265.

Allele frequency attached by ClinVar (database versions not stated): gnomAD exomes below 0.00001 and 0.00001; ESP Exome Variant Server 0.00008.
gnomAD v4.1: 8 of 1,612,908 alleles (0.0005%); highest among the groups gnomAD compares: Non-Finnish European, 0.00068%; no homozygotes.

Submissions (2):

Ambry Genetics
Classification: Uncertain significance for Primary ciliary dyskinesia. Last evaluated: 2025-10-14. Review status: criteria provided, single submitter. Criteria: Ambry Variant Classification Scheme 2023. Collection method: clinical testing. Allele origin: germline.

Labcorp Genetics (formerly Invitae), Labcorp
Classification: Uncertain significance for Primary ciliary dyskinesia 28. Last evaluated: 2022-06-04. Review status: criteria provided, single submitter. Criteria: Invitae Variant Classification Sherloc (09022015). Collection method: clinical testing. Allele origin: germline.
Comment: This sequence change replaces glutamic acid, which is acidic and polar, with aspartic acid, which is acidic and polar, at codon 266 of the SPAG1 protein (p.Glu266Asp). This variant is present in population databases (rs139329487, gnomAD 0.0009%). This variant has not been reported in the literature in individuals affected with SPAG1-related conditions. ClinVar contains an entry for this variant (Variation ID: 942830). Algorithms developed to predict the effect of missense changes on protein structure and function are either unavailable or do not agree on the potential impact of this missense change (SIFT: "Deleterious"; PolyPhen-2: "Possibly Damaging"; Align-GVGD: "Class C0"). In summary, the available evidence is currently insufficient to determine the role of this variant in disease. Therefore, it has been classified as a Variant of Uncertain Significance.